The following is an entry in ClinVar:

NM_000152.5(GAA):c.2099C>T (p.Thr700Ile)

Gene: GAA (alpha glucosidase; plus strand). Cytogenetic location: 17q25.3.
Variant type: single nucleotide variant.
Coding change: c.2099C>T on transcript NM_000152.5 (MANE Select); coding-DNA position 2099, C replaced by T.
Protein change: p.Thr700Ile; replaces threonine 700 with isoleucine.
Molecular consequence: missense variant.
Genome position (GRCh38, 1-based): chr17:80,113,276, C>T. VCF-style: chr17-80113276-C-T. GRCh37 (hg19) VCF-style: chr17-78087075-C-T.
Other names: c.2099C>T, p.Thr700Ile (NM_001079803.3, NM_001079804.3); short protein forms T700I.
Identifiers: ClinVar variation 967229 (VCV000967229.9), dbSNP rs2039288481, ClinGen allele CA401370496.

ClinVar aggregate classification (germline): Uncertain significance (1 of 4 stars; one submission).

Conditions:
Glycogen storage disease, type II (IOPD). Also called: GSD II; POMPE DISEASE, INFANTILE-ONSET; GLYCOGEN STORAGE DISEASE II, INFANTILE-ONSET; ACID ALPHA-GLUCOSIDASE DEFICIENCY, INFANTILE-ONSET; GAA DEFICIENCY, INFANTILE-ONSET; ACID MALTASE DEFICIENCY, INFANTILE-ONSET. Identifiers: Orphanet 365, MedGen C0017921, MONDO:0009290, OMIM 232300.

Allele frequency attached by ClinVar (database versions not stated): TOPMed below 0.00001.
gnomAD v4.1: 1 of 1,601,088 alleles (0.000062%); highest among the groups gnomAD compares: Admixed American, 0.0017%; no homozygotes.

Submission:

Labcorp Genetics (formerly Invitae), Labcorp
Classification: Uncertain significance for Glycogen storage disease, type II. Last evaluated: 2024-02-17. Review status: criteria provided, single submitter. Criteria: Invitae Variant Classification Sherloc (09022015). Collection method: clinical testing. Allele origin: germline.
Comment: This sequence change replaces threonine, which is neutral and polar, with isoleucine, which is neutral and non-polar, at codon 700 of the GAA protein (p.Thr700Ile). This variant is not present in population databases (gnomAD no frequency). This variant has not been reported in the literature in individuals affected with GAA-related conditions. ClinVar contains an entry for this variant (Variation ID: 967229). Advanced modeling of protein sequence and biophysical properties (such as structural, functional, and spatial information, amino acid conservation, physicochemical variation, residue mobility, and thermodynamic stability) performed at Invitae indicates that this missense variant is not expected to disrupt GAA protein function with a negative predictive value of 95%. In summary, the available evidence is currently insufficient to determine the role of this variant in disease. Therefore, it has been classified as a Variant of Uncertain Significance.